The following is an entry in ClinVar:

NM_020937.4(FANCM):c.1196C>G (p.Ser399Ter)

Gene: FANCM (FA complementation group M; plus strand). Cytogenetic location: 14q21.2.
Variant type: single nucleotide variant.
Coding change: c.1196C>G on transcript NM_020937.4 (MANE Select); coding-DNA position 1196, C replaced by G.
Protein change: p.Ser399Ter; replaces serine 399 with a stop codon.
Molecular consequence: nonsense.
Genome position (GRCh38, 1-based): chr14:45,154,709, C>G. VCF-style: chr14-45154709-C-G. GRCh37 (hg19) VCF-style: chr14-45623912-C-G.
Other names: c.1118C>G, p.Ser373Ter (NM_001308133.2); c.1196C>G, p.Ser399Ter (NM_001308134.2); short protein forms S399*, S373*.
Identifiers: ClinVar variation 456250 (VCV000456250.8), dbSNP rs1166587869, ClinGen allele CA389591110.

ClinVar aggregate classification (germline): Pathogenic (1 of 4 stars; one submission).

Conditions:
Fanconi anemia (FA). Also called: Fanconi's anemia. Identifiers: Orphanet 84, MedGen C0015625, MeSH D005199, MONDO:0019391.

Allele frequency attached by ClinVar (database versions not stated): gnomAD exomes 0.00001; TOPMed 0.00002.
gnomAD v4.1: 10 of 1,597,184 alleles (0.00063%); highest among the groups gnomAD compares: Non-Finnish European, 0.00077%; no homozygotes.

Submission:

Labcorp Genetics (formerly Invitae), Labcorp
Classification: Pathogenic for Fanconi anemia. Last evaluated: 2024-09-28. Review status: criteria provided, single submitter. Criteria: Invitae Variant Classification Sherloc (09022015). Collection method: clinical testing. Allele origin: germline.
Comment: This sequence change creates a premature translational stop signal (p.Ser399*) in the FANCM gene. It is expected to result in an absent or disrupted protein product. Loss-of-function variants in FANCM are known to be pathogenic (PMID: 29895858, 30075111). This variant is not present in population databases (gnomAD no frequency). This premature translational stop signal has been observed in individual(s) with breast cancer and prostate cancer (PMID: 30625039, 31991861). ClinVar contains an entry for this variant (Variation ID: 456250). For these reasons, this variant has been classified as Pathogenic.

Literature cited by the submitters: PubMed 29895858; PubMed 30075111; PubMed 30625039; PubMed 31991861.